The following is an entry in ClinVar:

NM_001378418.1(TCF20):c.5719C>T (p.Arg1907Ter)

Gene: TCF20 (transcription factor 20; minus strand). Cytogenetic location: 22q13.2.
Variant type: single nucleotide variant.
Coding change: c.5719C>T on transcript NM_001378418.1 (MANE Select); coding-DNA position 5719, C replaced by T.
Protein change: p.Arg1907Ter; replaces arginine 1907 with a stop codon.
Molecular consequence: nonsense.
Genome position (GRCh38, 1-based): chr22:42,179,639, G>A on the plus strand (C>T on the coding strand, the complement: TCF20 is on the minus strand). VCF-style: chr22-42179639-G-A. GRCh37 (hg19) VCF-style: chr22-42575645-G-A.
Other names: c.5719C>T, p.Arg1907Ter (NM_005650.4, NM_181492.3); short protein forms R1907*.
Identifiers: ClinVar variation 3255165 (VCV003255165.4), dbSNP rs2518079511.
Genomic context (GRCh38, chr22:42,179,639, plus strand): 5'-TCTGGACAAGGGTCTGTGGTCTCCTCTTACCTGCATCAATGGCACACGGGTAATGGTATC[G>A]GAAGGAGCAGCCTTTGTTGTAGCAGCCCAAGGTGGCGCCTGCCTCCTGGCAGTGGGAACA-3'

ClinVar aggregate classification (germline): Pathogenic. Review status: criteria provided, multiple submitters, no conflicts (2 of 4 stars). 3 submissions from 3 submitters: Pathogenic (3). Last evaluated 2024-02-27.

Conditions:
Developmental delay with variable intellectual impairment and behavioral abnormalities. Identifiers: MedGen C5193092, MONDO:0032745, OMIM 618430.

Submissions (3):

Labcorp Genetics (formerly Invitae), Labcorp
Classification: Pathogenic. Last evaluated: 2024-02-27. Review status: criteria provided, single submitter. Criteria: Invitae Variant Classification Sherloc (09022015). Collection method: clinical testing. Allele origin: germline.
Comment: This sequence change creates a premature translational stop signal (p.Arg1907*) in the TCF20 gene. It is expected to result in an absent or disrupted protein product. Loss-of-function variants in TCF20 are known to be pathogenic (PMID: 30739909, 30819258). This variant is not present in population databases (gnomAD no frequency). This premature translational stop signal has been observed in individual(s) with clinical features of TCF20-related conditions (PMID: 28135719, 30819258). For these reasons, this variant has been classified as Pathogenic.

Victorian Clinical Genetics Services, Murdoch Childrens Research Institute
Classification: Pathogenic for Developmental delay with variable intellectual impairment and behavioral abnormalities. Last evaluated: 2023-07-17. Review status: criteria provided, single submitter. Criteria: ACMG Guidelines, 2015. Collection method: clinical testing. Allele origin: germline. Inheritance: Autosomal dominant inheritance. Affected: yes.
Comment: Based on the classification scheme VCGS_Germline_v1.3.4, this variant is classified as Pathogenic. Following criteria are met: 0102 - Loss of function is a known mechanism of disease in this gene and is associated with developmental delay with variable intellectual impairment and behavioural abnormalities (MIM#618430). (I) 0107 - This gene is associated with autosomal dominant disease. (I) 0201 - Variant is predicted to cause nonsense-mediated decay (NMD) and loss of protein (premature termination codon is located at least 54 nucleotides upstream of the final exon-exon junction). (SP) 0251 - This variant is heterozygous. (I) 0301 - Variant is absent from gnomAD (both v2 and v3). (SP) 0701 - Other NMD predicted variants comparable to the one identified in this case have very strong previous evidence for pathogenicity (DECIPHER). (SP) 0801 - This variant has strong previous evidence of pathogenicity in unrelated individuals. This variant has been observed as de novo in at least two individuals with neurodevelopmental disorders (DECIPHER, PMID: 30819258). (SP) Legend: (SP) - Supporting pathogenic, (I) - Information, (SB) - Supporting benign

Imagene.me medical diagnostic laboratory, IMAGENE.ME SA
Classification: Pathogenic for Developmental delay with variable intellectual impairment and behavioral abnormalities. Review status: criteria provided, single submitter. Criteria: IMAGENE.ME Variant Classification SOP 2022. Collection method: clinical testing. Allele origin: de novo. Affected: yes.
Comment: Classified according to the IMAGENE.ME variant classification SOP based on the ACMG guidelines as Pathogenic (P): PVS1+ PS2 + PS4_Moderate + PM2 + PP4

Literature cited by the submitters: PubMed 30739909 (cited by Labcorp Genetics (formerly Invitae), Labcorp); PubMed 30819258 (cited by Labcorp Genetics (formerly Invitae), Labcorp and Victorian Clinical Genetics Services, Murdoch Childrens Research Institute); PubMed 28135719 (cited by Labcorp Genetics (formerly Invitae), Labcorp).